The following is an entry in ClinVar:

NM_000051.4(ATM):c.7437A>G (p.Glu2479=)

Genes: ATM (ATM serine/threonine kinase; plus strand), C11orf65 (chromosome 11 open reading frame 65; minus strand). Cytogenetic location: 11q22.3.
Variant type: single nucleotide variant.
Coding change: c.7437A>G on transcript NM_000051.4 (MANE Select); coding-DNA position 7437, A replaced by G.
Protein change: p.Glu2479=; no amino-acid change (glutamic acid 2479 retained).
Molecular consequence: synonymous variant. On other transcripts: intron variant (2).
Genome position (GRCh38, 1-based): chr11:108,330,343, A>G. VCF-style: chr11-108330343-A-G. GRCh37 (hg19) VCF-style: chr11-108201070-A-G.
Other names: c.7437A>G, p.Glu2479= (NM_001351834.2); c.641-21272T>C (NM_001330368.2); c.*38+4877T>C (NM_001351110.2).
Identifiers: ClinVar variation 797328 (VCV000797328.13), dbSNP rs1591160964, ClinGen allele CA476676937.

ClinVar aggregate classification (germline): Benign/Likely benign. Review status: criteria provided, multiple submitters, no conflicts (2 of 4 stars). 4 submissions from 4 submitters: Benign (1); Likely benign (3). Last evaluated 2025-07-07.

Conditions:
Familial cancer of breast. Also called: Hereditary breast cancer; BREAST CANCER, FAMILIAL; hereditary breast carcinoma. Identifiers: Orphanet 227535, MedGen C0346153, MONDO:0016419, OMIM 114480. Disease mechanism: loss of function.
Hereditary cancer-predisposing syndrome. Also called: Tumor predisposition; Neoplastic Syndromes, Hereditary; Hereditary Cancer Syndrome; Hereditary neoplastic syndrome. Identifiers: Orphanet 140162, MedGen C0027672, MeSH D009386, MONDO:0015356.
Ataxia-telangiectasia syndrome (AT). Also called: ATAXIA-TELANGIECTASIA, COMPLEMENTATION GROUP A; ATAXIA-TELANGIECTASIA, FRESNO VARIANT; Ataxia-telangiectasia; Ataxia-telangiectasia, complementation group D; AT, COMPLEMENTATION GROUP C; Ataxia-telangiectasia, complementation group E. Identifiers: Orphanet 100, MedGen C0004135, MONDO:0008840, OMIM 208900.

Allele frequency attached by ClinVar (database versions not stated): gnomAD exomes 0.00001.
gnomAD v4.1: 18 of 1,614,224 alleles (0.0011%); highest among the groups gnomAD compares: Non-Finnish European, 0.0015%; no homozygotes.

Submissions (4):

Women's Health and Genetics/Laboratory Corporation of America, LabCorp
Classification: Likely benign. Last evaluated: 2025-07-07. Review status: criteria provided, single submitter. Criteria: LabCorp Variant Classification Summary - May 2015. Collection method: clinical testing. Allele origin: germline.

Ambry Genetics
Classification: Likely benign for Hereditary cancer-predisposing syndrome. Last evaluated: 2025-06-28. Review status: criteria provided, single submitter. Criteria: Ambry Variant Classification Scheme 2023. Collection method: clinical testing. Allele origin: germline.

Myriad Genetics, Inc.
Classification: Benign for Familial cancer of breast. Last evaluated: 2024-06-14. Review status: criteria provided, single submitter. Criteria: Myriad Autosomal Dominant, Autosomal Recessive and X-Linked Classification Criteria (2023). Collection method: clinical testing. Allele origin: unknown.
Comment: This variant is considered benign. This variant is a silent/synonymous amino acid change and it is not expected to impact splicing.

Labcorp Genetics (formerly Invitae), Labcorp
Classification: Likely benign for Ataxia-telangiectasia syndrome. Last evaluated: 2023-01-23. Review status: criteria provided, single submitter. Criteria: Invitae Variant Classification Sherloc (09022015). Collection method: clinical testing. Allele origin: germline.